The following is an entry in ClinVar:

NM_002528.7(NTHL1):c.474G>T (p.Gln158His)

Gene: NTHL1 (nth like DNA glycosylase 1; minus strand). Cytogenetic location: 16p13.3.
Variant type: single nucleotide variant.
Coding change: c.474G>T on transcript NM_002528.7 (MANE Select); coding-DNA position 474, G replaced by T.
Protein change: p.Gln158His; replaces glutamine 158 with histidine.
Molecular consequence: missense variant. On other transcripts: intron variant (1).
Genome position (GRCh38, 1-based): chr16:2,044,681, C>A on the plus strand (G>T on the coding strand, the complement: NTHL1 is on the minus strand). VCF-style: chr16-2044681-C-A. GRCh37 (hg19) VCF-style: chr16-2094682-C-A.
Other names: c.144G>T, p.Gln48His (NM_001318194.2); c.355-955G>T (NM_001318193.2); short protein forms Q158H, Q48H.
Identifiers: ClinVar variation 2451107 (VCV002451107.2), dbSNP rs2548316213, ClinGen allele CA394294209.

ClinVar aggregate classification (germline): Uncertain significance (1 of 4 stars; one submission).

Conditions:
Hereditary cancer-predisposing syndrome. Also called: Neoplastic Syndromes, Hereditary; Tumor predisposition; Hereditary neoplastic syndrome; Hereditary Cancer Syndrome. Identifiers: Orphanet 140162, MedGen C0027672, MeSH D009386, MONDO:0015356.

Submission:

Ambry Genetics
Classification: Uncertain significance for Hereditary cancer-predisposing syndrome. Last evaluated: 2023-02-04. Review status: criteria provided, single submitter. Criteria: Ambry Variant Classification Scheme 2023. Collection method: clinical testing. Allele origin: germline.
Comment: The p.Q166H variant (also known as c.498G>T), located in coding exon 3 of the NTHL1 gene, results from a G to T substitution at nucleotide position 498. The glutamine at codon 166 is replaced by histidine, an amino acid with highly similar properties. This amino acid position is conserved. In addition, this alteration is predicted to be tolerated by in silico analysis. Since supporting evidence is limited at this time, the clinical significance of this alteration remains unclear.